The following is an entry in ClinVar:

ClinVar aggregate classification (germline): Likely benign. Review status: criteria provided, single submitter (1 of 4 stars). 3 submissions from 3 submitters: Likely benign (1). 2 of the submissions do not count toward it. Last evaluated 2022-07-01.

Allele frequency attached by ClinVar (database versions not stated): ExAC 0.00008; gnomAD exomes 0.00008 and 0.00013; TOPMed 0.00010; gnomAD 0.00016 and 0.00017.
gnomAD v4.1: 160 of 1,209,942 alleles (0.013%); highest among the groups gnomAD compares: Non-Finnish European, 0.016%; 1 homozygote.

Submissions (3):

CeGaT Center for Human Genetics Tuebingen
Classification: Likely benign. Last evaluated: 2022-07-01. Review status: criteria provided, single submitter. Criteria: CeGaT Center For Human Genetics Tuebingen Variant Classification Criteria Version 2. Collection method: clinical testing. Allele origin: germline. Affected: yes. Observed: 2 variant alleles.
Comment: BCORL1: BS2

Clinical Genetics DNA and cytogenetics Diagnostics Lab, Erasmus MC, Erasmus Medical Center
Classification: Uncertain significance. Review status: no assertion criteria provided. Collection method: clinical testing. Allele origin: germline. Affected: yes. Study: VKGL Data-share Consensus. Not counted in ClinVar's aggregate classification.

Diagnostic Laboratory, Department of Genetics, University Medical Center Groningen
Classification: Uncertain significance. Review status: no assertion criteria provided. Collection method: clinical testing. Allele origin: germline. Affected: yes. Study: VKGL Data-share Consensus. Not counted in ClinVar's aggregate classification.

NM_001379451.1(BCORL1):c.62G>A (p.Arg21His)

Gene: BCORL1 (BCL6 corepressor like 1; plus strand). Cytogenetic location: Xq26.1.
Variant type: single nucleotide variant.
Coding change: c.62G>A on transcript NM_001379451.1 (MANE Select); coding-DNA position 62, G replaced by A.
Protein change: p.Arg21His; replaces arginine 21 with histidine.
Molecular consequence: missense variant.
Genome position (GRCh38, 1-based): chrX:130,005,293, G>A. VCF-style: chrX-130005293-G-A. GRCh37 (hg19) VCF-style: chrX-129139269-G-A.
Other names: c.62G>A, p.Arg21His (NM_021946.5, NM_001184772.3, NM_001379450.1); short protein forms R21H.
Identifiers: ClinVar variation 1299882 (VCV001299882.32), dbSNP rs778701486, ClinGen allele CA10514049.